The following is an entry in ClinVar:

NM_000198.4(HSD3B2):c.343_749del (p.Val116fs)

Gene: HSD3B2 (hydroxy-delta-5-steroid dehydrogenase, 3 beta- and steroid delta-isomerase 2; plus strand). Cytogenetic location: 1p12.
Variant type: Deletion.
Coding change: c.343_749del on transcript NM_000198.4 (MANE Select); coding-DNA positions 343 to 749, 407 bases deleted.
Protein change: p.Val116fs; shifts the reading frame from valine 116.
Molecular consequence: frameshift variant.
Genome position (GRCh38, 1-based): chr1:119,421,844-119,422,250, 407 bases deleted. GRCh37 (hg19): chr1:119,964,467-119,964,873.
Other names: c.343_749del, p.Val116fs (NM_001166120.2); short protein forms V116fs.
Identifiers: ClinVar variation 2128395 (VCV002128395.4), dbSNP rs2526391252, ClinGen allele CA2580060913.

ClinVar aggregate classification (germline): Pathogenic (1 of 4 stars; one submission).

Submission:

Labcorp Genetics (formerly Invitae), Labcorp
Classification: Pathogenic. Last evaluated: 2022-04-20. Review status: criteria provided, single submitter. Criteria: Invitae Variant Classification Sherloc (09022015). Collection method: clinical testing. Allele origin: germline.
Comment: For these reasons, this variant has been classified as Pathogenic. This variant disrupts a region of the HSD3B2 protein in which other variant(s) (p.Trp345*) have been determined to be pathogenic (Invitae). This suggests that this is a clinically significant region of the protein, and that variants that disrupt it are likely to be disease-causing. This variant has not been reported in the literature in individuals affected with HSD3B2-related conditions. This variant is not present in population databases (gnomAD no frequency). This sequence change creates a premature translational stop signal (p.Val116Ilefs*7) in the HSD3B2 gene. While this is not anticipated to result in nonsense mediated decay, it is expected to disrupt the last 257 amino acid(s) of the HSD3B2 protein.